The following is an entry in ClinVar:

ClinVar aggregate classification (germline): Uncertain significance (1 of 4 stars; one submission).

Submission:

GeneDx
Classification: Uncertain significance. Last evaluated: 2021-12-23. Review status: criteria provided, single submitter. Criteria: GeneDx Variant Classification Process June 2021. Collection method: clinical testing. Allele origin: germline. Affected: yes.
Comment: Not observed at significant frequency in large population cohorts (gnomAD); In silico analysis supports that this missense variant does not alter protein structure/function; Has not been previously published as pathogenic or benign to our knowledge

NM_003482.4(KMT2D):c.13141G>T (p.Asp4381Tyr)

Gene: KMT2D (lysine methyltransferase 2D; minus strand). Cytogenetic location: 12q13.12.
Variant type: single nucleotide variant.
Coding change: c.13141G>T on transcript NM_003482.4 (MANE Select); coding-DNA position 13141, G replaced by T.
Protein change: p.Asp4381Tyr; replaces aspartic acid 4381 with tyrosine.
Molecular consequence: missense variant.
Genome position (GRCh38, 1-based): chr12:49,031,564, C>A on the plus strand (G>T on the coding strand, the complement: KMT2D is on the minus strand). VCF-style: chr12-49031564-C-A. GRCh37 (hg19) VCF-style: chr12-49425347-C-A.
Other names: short protein forms D4381Y.
Identifiers: ClinVar variation 1693072 (VCV001693072.2), dbSNP rs2120421241, ClinGen allele CA384707167.
Genomic context (GRCh38, chr12:49,031,564, plus strand): 5'-GGTCCAGATGCCCAGGTACCAGGCTGCTCTGCTCTGGCTTCTGGGTTTCTGCTAGGTTGT[C>A]TGGGGGATCCCAAGGTCCCAGACCCTTGCTAAACAAGGTATCTGCAAGCTGGGCAGCAGC-3'
Protein context (NP_003473.3, residues 4371-4391): SKGLGPWDPP[Asp4381Tyr]NLAETQKPEQ